The following is an entry in ClinVar:

ClinVar aggregate classification (germline): Uncertain significance (1 of 4 stars; one submission).

Conditions:
Van Maldergem syndrome 2 (VMLDS2). Identifiers: Orphanet 314679, MedGen C3809875, MONDO:0014242, OMIM 615546.

gnomAD v4.1: 1 of 1,614,184 alleles (0.000062%); no homozygotes.

Submission:

Baylor Genetics
Classification: Uncertain significance for Van Maldergem syndrome 2. Last evaluated: 2020-04-24. Review status: criteria provided, single submitter. Criteria: ACMG Guidelines, 2015. Collection method: clinical testing. Allele origin: unknown. Affected: yes.
Comment: This variant was determined to be of uncertain significance according to ACMG Guidelines, 2015 [PMID:25741868].

NM_001291303.3(FAT4):c.13402G>A (p.Val4468Met)

Gene: FAT4 (FAT atypical cadherin 4; plus strand). Cytogenetic location: 4q28.1.
Variant type: single nucleotide variant.
Coding change: c.13402G>A on transcript NM_001291303.3 (MANE Select); coding-DNA position 13402, G replaced by A.
Protein change: p.Val4468Met; replaces valine 4468 with methionine.
Molecular consequence: missense variant.
Genome position (GRCh38, 1-based): chr4:125,490,218, G>A. VCF-style: chr4-125490218-G-A. GRCh37 (hg19) VCF-style: chr4-126411373-G-A.
Other names: c.13399G>A, p.Val4467Met (NM_001291285.3); c.13396G>A, p.Val4466Met (NM_024582.6); short protein forms V4466M, V4468M, V4467M.
Identifiers: ClinVar variation 1028319 (VCV001028319.1), dbSNP rs1727569638, ClinGen allele CA358136368.